The following is an entry in ClinVar:

ClinVar aggregate classification (germline): Uncertain significance (1 of 4 stars; one submission).

Submission:

Labcorp Genetics (formerly Invitae), Labcorp
Classification: Uncertain significance. Last evaluated: 2024-12-11. Review status: criteria provided, single submitter. Criteria: Invitae Variant Classification Sherloc (09022015). Collection method: clinical testing. Allele origin: germline.
Comment: This sequence change creates a premature translational stop signal (p.Tyr543*) in the DSCAML1 gene. It is expected to result in an absent or disrupted protein product. However, the current clinical and genetic evidence is not sufficient to establish whether loss-of-function variants in DSCAML1 cause disease. This variant is not present in population databases (gnomAD no frequency). This variant has not been reported in the literature in individuals affected with DSCAML1-related conditions. In summary, the available evidence is currently insufficient to determine the role of this variant in disease. Therefore, it has been classified as a Variant of Uncertain Significance.

NM_020693.4(DSCAML1):c.1449C>G (p.Tyr483Ter)

Gene: DSCAML1 (DS cell adhesion molecule like 1; minus strand). Cytogenetic location: 11q23.3.
Variant type: single nucleotide variant.
Coding change: c.1449C>G on transcript NM_020693.4 (MANE Select); coding-DNA position 1449, C replaced by G.
Protein change: p.Tyr483Ter; replaces tyrosine 483 with a stop codon.
Molecular consequence: nonsense.
Genome position (GRCh38, 1-based): chr11:117,518,527, G>C on the plus strand (C>G on the coding strand, the complement: DSCAML1 is on the minus strand). VCF-style: chr11-117518527-G-C. GRCh37 (hg19) VCF-style: chr11-117389242-G-C.
Other names: c.1449C>G, p.Tyr483Ter (NM_001367904.1); c.1041C>G, p.Tyr347Ter (NM_001367905.1); short protein forms Y347*, Y483*.
Identifiers: ClinVar variation 3727089 (VCV003727089.2).
Genomic context (GRCh38, chr11:117,518,527, plus strand): 5'-TCTTACGTTTATTCGCGCCTGATATTCAGCACTGCCCACCAAGTTCCGCGCTGTGCACCG[G>C]TACACGCCCCCGTCGCGGATCTGGGGGCCTGTGACGTTCATGTGGCTGATGGTGGTGCCG-3'